The following is an entry in ClinVar:

ClinVar aggregate classification (germline): Conflicting classifications of pathogenicity. Review status: criteria provided, conflicting classifications (1 of 4 stars). 9 submissions from 8 submitters: Uncertain significance (1); Benign (1); Likely benign (7). Last evaluated 2026-01-19.

Conditions:
Tangier disease (TGD). Also called: Cholesterol thesaurismosis; HIGH DENSITY LIPOPROTEIN DEFICIENCY, TANGIER TYPE; HIGH DENSITY LIPOPROTEIN DEFICIENCY, TYPE 1. Identifiers: Orphanet 31150, MedGen C0039292, MONDO:0008783, OMIM 205400.
Cardiovascular phenotype. Identifiers: MedGen CN230736.
Hypoalphalipoproteinemia, primary, 1. Identifiers: Orphanet 425, MedGen C5231558, MONDO:0011393, OMIM 604091.

Allele frequency attached by ClinVar (database versions not stated): gnomAD exomes 0.00022 and 0.00055; gnomAD 0.00027 and 0.00029; TOPMed 0.00029; ESP Exome Variant Server 0.00038; ExAC 0.00052.
gnomAD v4.1: 394 of 1,614,024 alleles (0.024%); highest among the groups gnomAD compares: Middle Eastern, 0.15%; no homozygotes.

Submissions (9):

Labcorp Genetics (formerly Invitae), Labcorp
Classification: Benign. Last evaluated: 2026-01-19. Review status: criteria provided, single submitter. Criteria: Invitae Variant Classification Sherloc (09022015). Collection method: clinical testing. Allele origin: germline.

Genomic Medicine Center of Excellence, King Faisal Specialist Hospital and Research Centre
Classification: Likely benign. Last evaluated: 2025-08-18. Review status: criteria provided, single submitter. Criteria: ACMG Guidelines, 2015. Collection method: clinical testing. Allele origin: germline.

Blueprint Genetics
Classification: Likely benign. Last evaluated: 2024-10-28. Review status: criteria provided, single submitter. Criteria: ACMG Guidelines, 2015. Collection method: clinical testing. Allele origin: germline.

Women's Health and Genetics/Laboratory Corporation of America, LabCorp
Classification: Likely benign. Last evaluated: 2024-03-30. Review status: criteria provided, single submitter. Criteria: LabCorp Variant Classification Summary - May 2015. Collection method: clinical testing. Allele origin: germline.

GeneDx
Classification: Uncertain significance. Last evaluated: 2023-09-25. Review status: criteria provided, single submitter. Criteria: GeneDx Variant Classification Process June 2021. Collection method: clinical testing. Allele origin: germline. Affected: yes.
Comment: Reported in cases from dyslipidemia studies, however, patient-specific clinical data were not described and at least one individual was categorized as having high HDL-C (Cohen et al., 2004; Dron et al., 2020); In silico analysis supports that this missense variant has a deleterious effect on protein structure/function; This variant is associated with the following publications: (PMID: 32041611, 24894453, 25215231, 15297675, 19743957, 26350511, 24036952, 35460704)

Ambry Genetics
Classification: Likely benign for Cardiovascular phenotype. Last evaluated: 2020-07-09. Review status: criteria provided, single submitter. Criteria: Ambry Variant Classification Scheme 2023. Collection method: clinical testing. Allele origin: germline.

Illumina Laboratory Services, Illumina
Classification: Likely benign for Hypoalphalipoproteinemia, primary, 1. Last evaluated: 2017-04-27. Review status: criteria provided, single submitter. Criteria: ICSL Variant Classification Criteria 13 December 2019. Collection method: clinical testing. Allele origin: germline.
Comment: This variant was observed as part of a predisposition screen in an ostensibly healthy population. A literature search was performed for the gene, cDNA change, and amino acid change (where applicable). Publications were found based on this search. The evidence from the literature, in combination with allele frequency data from public databases where available, was sufficient to determine this variant is unlikely to cause disease. Therefore, this variant is classified as likely benign.

Illumina Laboratory Services, Illumina
Classification: Likely benign for Tangier disease. Last evaluated: 2017-04-27. Review status: criteria provided, single submitter. Criteria: ICSL Variant Classification Criteria 13 December 2019. Collection method: clinical testing. Allele origin: germline.
Comment: This variant was observed as part of a predisposition screen in an ostensibly healthy population. A literature search was performed for the gene, cDNA change, and amino acid change (where applicable). No publications were found based on this search. Allele frequency data from public databases allowed determination this variant is unlikely to cause disease. Therefore, this variant is classified as likely benign.

Breakthrough Genomics
Classification: Likely benign. Review status: criteria provided, single submitter. Criteria: ACMG Guidelines, 2015. Collection method: not provided. Allele origin: germline. Inheritance: Autosomal recessive inheritance. Affected: yes.

Literature cited by the submitters: PubMed 15297675 (cited by 3 submitters); PubMed 24036952 (cited by Women's Health and Genetics/Laboratory Corporation of America, LabCorp); PubMed 24894453 (cited by Women's Health and Genetics/Laboratory Corporation of America, LabCorp); PubMed 19743957 (cited by Women's Health and Genetics/Laboratory Corporation of America, LabCorp and Ambry Genetics); PubMed 25215231 (cited by Women's Health and Genetics/Laboratory Corporation of America, LabCorp); PubMed 26350511 (cited by Ambry Genetics).

NM_005502.4(ABCA1):c.1486C>T (p.Arg496Trp)

Gene: ABCA1 (ATP binding cassette subfamily A member 1; minus strand). Cytogenetic location: 9q31.1.
Variant type: single nucleotide variant.
Coding change: c.1486C>T on transcript NM_005502.4 (MANE Select); coding-DNA position 1486, C replaced by T.
Protein change: p.Arg496Trp; replaces arginine 496 with tryptophan.
Molecular consequence: missense variant.
Genome position (GRCh38, 1-based): chr9:104,832,597, G>A on the plus strand (C>T on the coding strand, the complement: ABCA1 is on the minus strand). VCF-style: chr9-104832597-G-A. GRCh37 (hg19) VCF-style: chr9-107594878-G-A.
Other names: short protein forms R496W.
Identifiers: ClinVar variation 364445 (VCV000364445.19), dbSNP rs147675550, ClinGen allele CA5169008.